The following is an entry in ClinVar:

NM_002103.5(GYS1):c.418G>A (p.Gly140Arg)

Gene: GYS1 (glycogen synthase 1; minus strand). Cytogenetic location: 19q13.33.
Variant type: single nucleotide variant.
Coding change: c.418G>A on transcript NM_002103.5 (MANE Select); coding-DNA position 418, G replaced by A.
Protein change: p.Gly140Arg; replaces glycine 140 with arginine.
Molecular consequence: missense variant. On other transcripts: non-coding transcript variant (1), intron variant (1).
Genome position (GRCh38, 1-based): chr19:48,987,268, C>T on the plus strand (G>A on the coding strand, the complement: GYS1 is on the minus strand). VCF-style: chr19-48987268-C-T. GRCh37 (hg19) VCF-style: chr19-49490525-C-T.
Other names: c.301-1233G>A (NM_001161587.2); short protein forms G140R.
Identifiers: ClinVar variation 1004862 (VCV001004862.8), dbSNP rs754705699, ClinGen allele CA9563360.

ClinVar aggregate classification (germline): Uncertain significance (1 of 4 stars; one submission).

Conditions:
Glycogen storage disease due to muscle and heart glycogen synthase deficiency. Also called: GSD 0b; MUSCLE GLYCOGEN SYNTHASE DEFICIENCY. Identifiers: Orphanet 137625, MedGen C1969054, MONDO:0012693, OMIM 611556.

Allele frequency attached by ClinVar (database versions not stated): ExAC 0.00001; gnomAD exomes 0.00001; TOPMed 0.00001.

Submission:

Labcorp Genetics (formerly Invitae), Labcorp
Classification: Uncertain significance for Glycogen storage disease due to muscle and heart glycogen synthase deficiency. Last evaluated: 2025-10-02. Review status: criteria provided, single submitter. Criteria: Invitae Variant Classification Sherloc (09022015). Collection method: clinical testing. Allele origin: germline.
Comment: This sequence change replaces glycine, which is neutral and non-polar, with arginine, which is basic and polar, at codon 140 of the GYS1 protein (p.Gly140Arg). The frequency data for this variant in the population databases is considered unreliable, as metrics indicate poor data quality at this position in the gnomAD database. This variant has not been reported in the literature in individuals affected with GYS1-related conditions. ClinVar contains an entry for this variant (Variation ID: 1004862). Invitae Evidence Modeling of protein sequence and biophysical properties (such as structural, functional, and spatial information, amino acid conservation, physicochemical variation, residue mobility, and thermodynamic stability) indicates that this missense variant is expected to disrupt GYS1 protein function with a positive predictive value of 80%. In summary, the available evidence is currently insufficient to determine the role of this variant in disease. Therefore, it has been classified as a Variant of Uncertain Significance.